The following is an entry in ClinVar:

NM_014252.4(SLC25A15):c.56G>C (p.Gly19Ala)

Gene: SLC25A15 (solute carrier family 25 member 15; plus strand). Cytogenetic location: 13q14.11.
Variant type: single nucleotide variant.
Coding change: c.56G>C on transcript NM_014252.4 (MANE Select); coding-DNA position 56, G replaced by C.
Protein change: p.Gly19Ala; replaces glycine 19 with alanine.
Molecular consequence: missense variant. On other transcripts: non-coding transcript variant (2).
Genome position (GRCh38, 1-based): chr13:40,799,057, G>C. VCF-style: chr13-40799057-G-C. GRCh37 (hg19) VCF-style: chr13-41373193-G-C.
Other names: short protein forms G19A.
Identifiers: ClinVar variation 1951233 (VCV001951233.5), dbSNP rs1566121208, ClinGen allele CA387916616.
Genomic context (GRCh38, chr13:40,799,057, plus strand): 5'-CCTTCCATGGATAATGGAACTGTAGCCTCGTACTAGAGCAGTCATCTGTCCTGATTGCAG[G>C]AGGTACAGCATGTGTACTGACCGGGCAGCCCTTTGACACAATGAAAGTGAAGATGCAGAC-3'
Protein context (NP_055067.1, residues 9-29): AAIDLTAGAA[Gly19Ala]GTACVLTGQP

ClinVar aggregate classification (germline): Uncertain significance (1 of 4 stars; one submission).

Conditions:
Hyperornithinemia-hyperammonemia-homocitrullinuria syndrome (HHHS). Also called: HHH SYNDROME; Ornithine translocase deficiency. Identifiers: Orphanet 415, MedGen C0268540, MONDO:0009393, OMIM 238970.

Allele frequency attached by ClinVar (database versions not stated): gnomAD exomes below 0.00001; TOPMed below 0.00001.
gnomAD v4.1: 1 of 1,614,188 alleles (0.000062%); highest among the groups gnomAD compares: Admixed American, 0.0017%; no homozygotes.

Submission:

Labcorp Genetics (formerly Invitae), Labcorp
Classification: Uncertain significance for Hyperornithinemia-hyperammonemia-homocitrullinuria syndrome. Last evaluated: 2022-08-06. Review status: criteria provided, single submitter. Criteria: Invitae Variant Classification Sherloc (09022015). Collection method: clinical testing. Allele origin: germline.
Comment: This sequence change replaces glycine, which is neutral and non-polar, with alanine, which is neutral and non-polar, at codon 19 of the SLC25A15 protein (p.Gly19Ala). This variant is present in population databases (no rsID available, gnomAD 0.003%). This variant has not been reported in the literature in individuals affected with SLC25A15-related conditions. Algorithms developed to predict the effect of missense changes on protein structure and function are either unavailable or do not agree on the potential impact of this missense change (SIFT: "Tolerated"; PolyPhen-2: "Possibly Damaging"; Align-GVGD: "Class C0"). Algorithms developed to predict the effect of sequence changes on RNA splicing suggest that this variant may create or strengthen a splice site. In summary, the available evidence is currently insufficient to determine the role of this variant in disease. Therefore, it has been classified as a Variant of Uncertain Significance.